The following is an entry in ClinVar:

NM_003661.4(APOL1):c.662C>G (p.Thr221Ser)

Gene: APOL1 (apolipoprotein L1; plus strand). Cytogenetic location: 22q12.3.
Variant type: single nucleotide variant.
Coding change: c.662C>G on transcript NM_003661.4 (MANE Select); coding-DNA position 662, C replaced by G.
Protein change: p.Thr221Ser; replaces threonine 221 with serine.
Molecular consequence: missense variant.
Genome position (GRCh38, 1-based): chr22:36,265,498, C>G. VCF-style: chr22-36265498-C-G. GRCh37 (hg19) VCF-style: chr22-36661544-C-G.
Other names: c.662C>G, p.Thr221Ser (NM_001136540.2); c.608C>G, p.Thr203Ser (NM_001136541.2, NM_001362927.2); c.710C>G, p.Thr237Ser (NM_145343.3); short protein forms T203S, T237S, T221S.
Identifiers: ClinVar variation 1384251 (VCV001384251.8), dbSNP rs770867795, ClinGen allele CA411366943.
Genomic context (GRCh38, chr22:36,265,498, plus strand): 5'-AGGGAGGCAGCCTTGTACTCTTGGAACCTGGGATGGAGTTGGGAATCACAGCCGCTTTGA[C>G]CGGGATTACCAGCAGTACCATGGACTACGGAAAGAAGTGGTGGACACAAGCCCAAGCCCA-3'
Protein context (NP_003652.2, residues 211-231): GMELGITAAL[Thr221Ser]GITSSTMDYG

ClinVar aggregate classification (germline): Uncertain significance (1 of 4 stars; one submission).

Allele frequency attached by ClinVar (database versions not stated): gnomAD exomes 0.00001; TOPMed 0.00001.
gnomAD v4.1: 2 of 1,613,970 alleles (0.00012%); highest among the groups gnomAD compares: Admixed American, 0.0033%; no homozygotes.

Submission:

Labcorp Genetics (formerly Invitae), Labcorp
Classification: Uncertain significance. Last evaluated: 2021-03-20. Review status: criteria provided, single submitter. Criteria: Invitae Variant Classification Sherloc (09022015). Collection method: clinical testing. Allele origin: germline.
Comment: This sequence change replaces threonine with serine at codon 221 of the APOL1 protein (p.Thr221Ser). The threonine residue is moderately conserved and there is a small physicochemical difference between threonine and serine. This variant is not present in population databases (ExAC no frequency). This variant has not been reported in the literature in individuals with APOL1-related conditions. Algorithms developed to predict the effect of missense changes on protein structure and function (SIFT, PolyPhen-2, Align-GVGD) all suggest that this variant is likely to be tolerated, but these predictions have not been confirmed by published functional studies and their clinical significance is uncertain. In summary, the available evidence is currently insufficient to determine the role of this variant in disease. Therefore, it has been classified as a Variant of Uncertain Significance.